The following is an entry in ClinVar:

NM_199355.4(ADAMTS18):c.1213C>G (p.Leu405Val)

Gene: ADAMTS18 (ADAM metallopeptidase with thrombospondin type 1 motif 18; minus strand). Cytogenetic location: 16q23.1.
Variant type: single nucleotide variant.
Coding change: c.1213C>G on transcript NM_199355.4 (MANE Select); coding-DNA position 1213, C replaced by G.
Protein change: p.Leu405Val; replaces leucine 405 with valine.
Molecular consequence: missense variant.
Genome position (GRCh38, 1-based): chr16:77,362,108, G>C on the plus strand (C>G on the coding strand, the complement: ADAMTS18 is on the minus strand). VCF-style: chr16-77362108-G-C. GRCh37 (hg19) VCF-style: chr16-77396005-G-C.
Other names: c.697C>G, p.Leu233Val (NM_001326358.2); c.1213C>G (NM_199355.2); short protein forms L233V, L405V.
Identifiers: ClinVar variation 1404349 (VCV001404349.9), dbSNP rs762042420, ClinGen allele CA8181416.

ClinVar aggregate classification (germline): Uncertain significance. Review status: criteria provided, multiple submitters, no conflicts (2 of 4 stars). 3 submissions from 3 submitters: Uncertain significance (3). Last evaluated 2025-07-01.

Conditions:
Inborn genetic diseases. Identifiers: MedGen C0950123, MeSH D030342.

Allele frequency attached by ClinVar (database versions not stated): ExAC 0.00002; gnomAD exomes 0.00002 and 0.00005; gnomAD 0.00003; TOPMed 0.00003.
gnomAD v4.1: 71 of 1,613,926 alleles (0.0044%); highest among the groups gnomAD compares: Middle Eastern, 0.016%; no homozygotes.

Submissions (3):

Ambry Genetics
Classification: Uncertain significance for Inborn genetic diseases. Last evaluated: 2025-07-01. Review status: criteria provided, single submitter. Criteria: Ambry Variant Classification Scheme 2023. Collection method: clinical testing. Allele origin: germline.

Labcorp Genetics (formerly Invitae), Labcorp
Classification: Uncertain significance. Last evaluated: 2024-01-15. Review status: criteria provided, single submitter. Criteria: Invitae Variant Classification Sherloc (09022015). Collection method: clinical testing. Allele origin: germline.
Comment: This sequence change replaces leucine, which is neutral and non-polar, with valine, which is neutral and non-polar, at codon 405 of the ADAMTS18 protein (p.Leu405Val). This variant is present in population databases (rs762042420, gnomAD 0.004%). This variant has not been reported in the literature in individuals affected with ADAMTS18-related conditions. ClinVar contains an entry for this variant (Variation ID: 1404349). An algorithm developed to predict the effect of missense changes on protein structure and function (PolyPhen-2) suggests that this variant is likely to be disruptive. In summary, the available evidence is currently insufficient to determine the role of this variant in disease. Therefore, it has been classified as a Variant of Uncertain Significance.

Blueprint Genetics
Classification: Uncertain significance. Last evaluated: 2023-07-27. Review status: criteria provided, single submitter. Criteria: ACMG Guidelines, 2015. Collection method: clinical testing. Allele origin: germline.